The following is an entry in ClinVar:

ClinVar aggregate classification (germline): Uncertain significance (1 of 4 stars; one submission).

Conditions:
Carney complex, type 1 (CNC1). Also called: CARNEY MYXOMA-ENDOCRINE COMPLEX; CARNEY COMPLEX, TYPE I. Identifiers: Orphanet 1359, MedGen C2607929, MONDO:0008057, OMIM 160980.

Submission:

Labcorp Genetics (formerly Invitae), Labcorp
Classification: Uncertain significance for Carney complex, type 1. Last evaluated: 2024-01-12. Review status: criteria provided, single submitter. Criteria: Invitae Variant Classification Sherloc (09022015). Collection method: clinical testing. Allele origin: germline.
Comment: This sequence change replaces asparagine, which is neutral and polar, with threonine, which is neutral and polar, at codon 332 of the PRKAR1A protein (p.Asn332Thr). This variant is not present in population databases (gnomAD no frequency). This variant has not been reported in the literature in individuals affected with PRKAR1A-related conditions. Advanced modeling of protein sequence and biophysical properties (such as structural, functional, and spatial information, amino acid conservation, physicochemical variation, residue mobility, and thermodynamic stability) performed at Invitae indicates that this missense variant is not expected to disrupt PRKAR1A protein function with a negative predictive value of 80%. In summary, the available evidence is currently insufficient to determine the role of this variant in disease. Therefore, it has been classified as a Variant of Uncertain Significance.

NM_002734.5(PRKAR1A):c.995A>C (p.Asn332Thr)

Gene: PRKAR1A (protein kinase cAMP-dependent type I regulatory subunit alpha; plus strand). Cytogenetic location: 17q24.2.
Variant type: single nucleotide variant.
Coding change: c.995A>C on transcript NM_002734.5 (MANE Select); coding-DNA position 995, A replaced by C.
Protein change: p.Asn332Thr; replaces asparagine 332 with threonine.
Molecular consequence: missense variant. On other transcripts: intron variant (1).
Genome position (GRCh38, 1-based): chr17:68,530,298, A>C. VCF-style: chr17-68530298-A-C. GRCh37 (hg19) VCF-style: chr17-66526439-A-C.
Other names: c.995A>C, p.Asn332Thr (NM_001276289.2, NM_001278433.2, NM_001369389.1 and 3 more transcripts); c.973+297A>C (NM_001276290.1); short protein forms N332T.
Identifiers: ClinVar variation 2709180 (VCV002709180.3), dbSNP rs2509446385, ClinGen allele CA400754461.